The following is an entry in ClinVar:

ClinVar aggregate classification (germline): Likely benign (0 of 4 stars; one submission).

Conditions:
NOX1-related disorder. Also called: NOX1-related condition.

Allele frequency attached by ClinVar (database versions not stated): TOPMed 0.00029; gnomAD 0.00036; ESP Exome Variant Server 0.00057; gnomAD exomes 0.00071; ExAC 0.00076.
gnomAD v4.1: 815 of 1,202,442 alleles (0.068%); highest among the groups gnomAD compares: Admixed American, 0.085%; no homozygotes.

Submission:

PreventionGenetics, part of Exact Sciences
Classification: Likely benign for NOX1-related condition. Last evaluated: 2021-08-02. Review status: no assertion criteria provided. Collection method: clinical testing. Allele origin: germline.
Comment: This variant is classified as likely benign based on ACMG/AMP sequence variant interpretation guidelines (Richards et al. 2015 PMID: 25741868, with internal and published modifications).

NM_007052.5(NOX1):c.142-4G>A

Gene: NOX1 (NADPH oxidase 1; minus strand). Cytogenetic location: Xq22.1.
Variant type: single nucleotide variant.
Coding change: c.142-4G>A on transcript NM_007052.5 (MANE Select); 4 bases into the intron before coding-DNA position 142, G replaced by A.
Molecular consequence: intron variant.
Genome position (GRCh38, 1-based): chrX:100,863,599, C>T on the plus strand (G>A on the coding strand, the complement: NOX1 is on the minus strand). VCF-style: chrX-100863599-C-T. GRCh37 (hg19) VCF-style: chrX-100118588-C-T.
Other names: c.142-356G>A (NM_001271815.2); c.142-4G>A (NM_013955.3).
Identifiers: ClinVar variation 3045157 (VCV003045157.2), dbSNP rs201776721, ClinGen allele CA10470732.
Genomic context (GRCh38, chrX:100,863,599, plus strand): 5'-CAGCGTGCTGTTAAAATTCAAGCAGAGAGCAGACGCTCGGGCACAGGCCAATGTTGACTA[C>T]AGCAGAGGAGAAAAAGAGACCATCAGCTGCTTCATTTCACCATCTAGCACGTGAGCAACT-3'